The following is an entry in ClinVar:

ClinVar aggregate classification (germline): Conflicting classifications of pathogenicity. Review status: criteria provided, conflicting classifications (1 of 4 stars). 2 submissions from 2 submitters: Uncertain significance (1); Likely benign (1). Last evaluated 2022-08-31.

Conditions:
Cornelia de Lange syndrome 1 (CDLS1). Also called: TYPUS DEGENERATIVUS AMSTELODAMENSIS; Brachmann de Lange syndrome; NIPBL-Related Cornelia de Lange Syndrome. Identifiers: Orphanet 199, MedGen C4551851, MONDO:0007387, OMIM 122470.
Inborn genetic diseases. Identifiers: MedGen C0950123, MeSH D030342.

Allele frequency attached by ClinVar (database versions not stated): TOPMed below 0.00001; ExAC 0.00001; gnomAD 0.00001; gnomAD exomes 0.00001; ESP Exome Variant Server 0.00008.
gnomAD v4.1: 5 of 1,614,062 alleles (0.00031%); highest among the groups gnomAD compares: Non-Finnish European, 0.00042%; no homozygotes.

Submissions (2):

Labcorp Genetics (formerly Invitae), Labcorp
Classification: Uncertain significance for Cornelia de Lange syndrome 1. Last evaluated: 2022-08-31. Review status: criteria provided, single submitter. Criteria: Invitae Variant Classification Sherloc (09022015). Collection method: clinical testing. Allele origin: germline.
Comment: This variant is present in population databases (rs372139946, gnomAD 0.0009%). This variant has not been reported in the literature in individuals affected with NIPBL-related conditions. Algorithms developed to predict the effect of sequence changes on RNA splicing suggest that this variant may disrupt the consensus splice site. In summary, the available evidence is currently insufficient to determine the role of this variant in disease. Therefore, it has been classified as a Variant of Uncertain Significance. This sequence change affects codon 2282 of the NIPBL mRNA. It is a 'silent' change, meaning that it does not change the encoded amino acid sequence of the NIPBL protein.

Ambry Genetics
Classification: Likely benign for Inborn genetic diseases. Last evaluated: 2018-02-20. Review status: criteria provided, single submitter. Criteria: Ambry Variant Classification Scheme 2023. Collection method: clinical testing. Allele origin: germline.

NM_133433.4(NIPBL):c.6846T>C (p.Tyr2282=)

Gene: NIPBL (NIPBL cohesin loading factor; plus strand). Cytogenetic location: 5p13.2.
Variant type: single nucleotide variant.
Coding change: c.6846T>C on transcript NM_133433.4 (MANE Select); coding-DNA position 6846, T replaced by C.
Protein change: p.Tyr2282=; no amino-acid change (tyrosine 2282 retained).
Molecular consequence: synonymous variant.
Genome position (GRCh38, 1-based): chr5:37,049,193, T>C. VCF-style: chr5-37049193-T-C. GRCh37 (hg19) VCF-style: chr5-37049295-T-C.
Other names: c.6846T>C, p.Tyr2282= (NM_015384.5).
Identifiers: ClinVar variation 1755758 (VCV001755758.7), dbSNP rs372139946, ClinGen allele CA3237078.